The following is an entry in ClinVar:

ClinVar aggregate classification (germline): Uncertain significance (1 of 4 stars; one submission).

Conditions:
Charcot-Marie-Tooth disease axonal type 2O. Also called: CHARCOT-MARIE-TOOTH NEUROPATHY, AXONAL, TYPE 2O; CHARCOT-MARIE-TOOTH DISEASE, AXONAL, AUTOSOMAL DOMINANT, TYPE 2O; Charcot-Marie-Tooth Neuropathy Type 2O; Charcot-Marie-Tooth disease, axonal, type 20. Identifiers: Orphanet 284232, MedGen C3280220, MONDO:0013644, OMIM 614228.
Autosomal dominant childhood-onset proximal spinal muscular atrophy without contractures. Also called: KUGELBERG-WELANDER SYNDROME, AUTOSOMAL DOMINANT; SPINAL MUSCULAR ATROPHY, JUVENILE, PROXIMAL, AUTOSOMAL DOMINANT; Spinal muscular atrophy, lower extremity-predominant 1, AD; SPINAL MUSCULAR ATROPHY, CHILDHOOD, PROXIMAL, AUTOSOMAL DOMINANT. Identifiers: Orphanet 209341, Orphanet 363447, MedGen C5780022, MONDO:0008026, OMIM 158600.
Cortical dysplasia, complex, with other brain malformations 13. Also called: Intellectual disability, autosomal dominant 13. Identifiers: MedGen C3281202, MONDO:0013805, OMIM 614563.

Submission:

Center for Genomics, Ann and Robert H. Lurie Children's Hospital of Chicago
Classification: Uncertain significance for Charcot-Marie-Tooth disease axonal type 2O; Autosomal dominant childhood-onset proximal spinal muscular atrophy without contractures; Cortical dysplasia, complex, with other brain malformations 13. Review status: criteria provided, single submitter. Criteria: ACMG Guidelines, 2015. Collection method: clinical testing. Allele origin: germline.
Comment: DYNC1H1 NM_001376.4 exon 61 p.His3822Tyr (c.11464C>T): This variant has not been reported in the literature and is not present in large control databases. Evolutionary conservation and computational predictive tools suggest that this variant may impact the protein. Of note, another variant at this position has been reported in association with disease (p.His3822Pro) supporting the potential functional relevance of this codon. In summary, data on this variant is highly suspicious for disease, but requires further evidence for pathogenicity. Therefore, the clinical significance of this variant is uncertain.

NM_001376.5(DYNC1H1):c.11464C>T (p.His3822Tyr)

Gene: DYNC1H1 (dynein cytoplasmic 1 heavy chain 1; plus strand). Cytogenetic location: 14q32.31.
Variant type: single nucleotide variant.
Coding change: c.11464C>T on transcript NM_001376.5 (MANE Select); coding-DNA position 11464, C replaced by T.
Protein change: p.His3822Tyr; replaces histidine 3822 with tyrosine.
Molecular consequence: missense variant.
Genome position (GRCh38, 1-based): chr14:102,039,415, C>T. VCF-style: chr14-102039415-C-T. GRCh37 (hg19) VCF-style: chr14-102505752-C-T.
Other names: short protein forms H3822Y.
Identifiers: ClinVar variation 1675167 (VCV001675167.3), dbSNP rs2152595124, ClinGen allele CA391034303.